The following is an entry in ClinVar:

ClinVar aggregate classification (germline): Benign/Likely benign. Review status: criteria provided, multiple submitters, no conflicts (2 of 4 stars). 2 submissions from 2 submitters: Benign (1); Likely benign (1). Last evaluated 2024-06-17.

Allele frequency attached by ClinVar (database versions not stated): gnomAD exomes 0.00003; gnomAD 0.00008; TOPMed 0.00015; 1000 Genomes Project 0.00060; 1000 Genomes Project 30x 0.00094.
gnomAD v4.1: 45 of 1,205,274 alleles (0.0037%); highest among the groups gnomAD compares: East Asian, 0.093%; no homozygotes.

Submissions (2):

Blueprint Genetics
Classification: Likely benign. Last evaluated: 2024-06-17. Review status: criteria provided, single submitter. Criteria: ACMG Guidelines, 2015. Collection method: clinical testing. Allele origin: germline.

CeGaT Center for Human Genetics Tuebingen
Classification: Benign. Last evaluated: 2022-03-01. Review status: criteria provided, single submitter. Criteria: CeGaT Center For Human Genetics Tuebingen Variant Classification Criteria Version 2. Collection method: clinical testing. Allele origin: germline. Affected: yes. Observed: 1 variant allele.
Comment: ANKRD11: BS1, BS2

NM_013275.6(ANKRD11):c.*8G>A

Gene: ANKRD11 (ankyrin repeat domain 11; minus strand). Cytogenetic location: 16q24.3.
Variant type: single nucleotide variant.
Coding change: c.*8G>A on transcript NM_013275.6 (MANE Select); 8 bases downstream of the stop codon, G replaced by A.
Molecular consequence: 3 prime UTR variant.
Genome position (GRCh38, 1-based): chr16:89,268,470, C>T on the plus strand (G>A on the coding strand, the complement: ANKRD11 is on the minus strand). VCF-style: chr16-89268470-C-T. GRCh37 (hg19) VCF-style: chr16-89334878-C-T.
Other names: c.*8G>A (NM_001256182.2, NM_001256183.2).
Identifiers: ClinVar variation 2647056 (VCV002647056.25), dbSNP rs553564829, ClinGen allele CA8240963.